The following is an entry in ClinVar:

NM_006567.5(FARS2):c.1218-73_1289delinsC

Gene: FARS2 (phenylalanyl-tRNA synthetase 2, mitochondrial; plus strand). Cytogenetic location: 6p25.1.
Variant type: Indel.
Coding change: c.1218-73_1289delinsC on transcript NM_006567.5 (MANE Select); 73 bases into the intron before coding-DNA position 1218 through coding-DNA position 1289, the reference bases replaced by C.
Molecular consequence: splice acceptor variant.
Genome position (GRCh38, 1-based): chr6:5,771,218-5,771,362, 145 bases replaced. GRCh37 (hg19): chr6:5,771,451-5,771,595.
Other names: c.1218-73_1289delinsC (NM_001374878.1, NM_001318872.2, NM_001374877.1 and 4 more transcripts); c.1086-73_1157delinsC (NM_001375258.1); c.522-73_593delinsC (NM_001375260.1, NM_001375259.1).
Identifiers: ClinVar variation 2771426 (VCV002771426.3), dbSNP rs2533574282, ClinGen allele CA2697546616.

ClinVar aggregate classification (germline): Pathogenic (1 of 4 stars; one submission).

Conditions:
Combined oxidative phosphorylation defect type 14. Also called: Combined oxidative phosphorylation deficiency 14. Identifiers: Orphanet 319519, MedGen C4755312, MONDO:0013986, OMIM 614946.

Submission:

Labcorp Genetics (formerly Invitae), Labcorp
Classification: Pathogenic for Combined oxidative phosphorylation defect type 14. Last evaluated: 2023-10-23. Review status: criteria provided, single submitter. Criteria: Invitae Variant Classification Sherloc (09022015). Collection method: clinical testing. Allele origin: germline.
Comment: This variant results in the deletion of part of exon 7 (c.1218-73_1289delinsC) of the FARS2 gene. While this variant is not anticipated to result in nonsense mediated decay, it likely alters RNA splicing and results in a disrupted protein product. This variant is not present in population databases (gnomAD no frequency). This variant has not been reported in the literature in individuals affected with FARS2-related conditions. Variants that disrupt the consensus splice site are a relatively common cause of aberrant splicing (PMID: 17576681, 9536098). This variant disrupts a region of the FARS2 protein in which other variant(s) (p.Arg419Cys) have been determined to be pathogenic (PMID: 25851414, 30177229). This suggests that this is a clinically significant region of the protein, and that variants that disrupt it are likely to be disease-causing. For these reasons, this variant has been classified as Pathogenic.

Literature cited by the submitters: PubMed 17576681; PubMed 9536098; PubMed 25851414; PubMed 30177229.